The following is an entry in ClinVar:

NM_014425.5(INVS):c.740A>G (p.Asn247Ser)

Gene: INVS (inversin; plus strand). Cytogenetic location: 9q31.1.
Variant type: single nucleotide variant.
Coding change: c.740A>G on transcript NM_014425.5 (MANE Select); coding-DNA position 740, A replaced by G.
Protein change: p.Asn247Ser; replaces asparagine 247 with serine.
Molecular consequence: missense variant. On other transcripts: 5 prime UTR variant (1), non-coding transcript variant (1).
Genome position (GRCh38, 1-based): chr9:100,240,184, A>G. VCF-style: chr9-100240184-A-G. GRCh37 (hg19) VCF-style: chr9-103002466-A-G.
Other names: c.452A>G, p.Asn151Ser (NM_001318381.2); c.-250A>G (NM_001318382.2); c.740A>G (NM_014425.4); short protein forms N247S, N151S.
Identifiers: ClinVar variation 95600 (VCV000095600.54), dbSNP rs41312220, ClinGen allele CA148645.

ClinVar aggregate classification (germline): Benign/Likely benign. Review status: criteria provided, multiple submitters, no conflicts (2 of 4 stars). 11 submissions from 11 submitters: Benign (3); Likely benign (6). 2 of the submissions do not count toward it. Last evaluated 2026-05-01.

Conditions:
INVS-related disorder. Also called: INVS-related condition.
Nephronophthisis. Also called: Juvenile Nephronophthisis. Identifiers: Orphanet 655, MedGen C0687120, MONDO:0019005, HP:0000090.
Infantile nephronophthisis (NPHP2). Also called: Nephronophthisis 2; Nephronophthisis 2, infantile. Identifiers: Orphanet 655, Orphanet 93591, MedGen C1865872, MONDO:0011190, OMIM 602088.

Allele frequency attached by ClinVar (database versions not stated): 1000 Genomes Project 30x 0.00125; gnomAD exomes 0.00481 and 0.00573; TOPMed 0.00408; ExAC 0.00476; gnomAD 0.00526 and 0.00508; ESP Exome Variant Server 0.00554; 1000 Genomes Project 0.00120.
gnomAD v4.1: 9,114 of 1,613,976 alleles (0.56%); highest among the groups gnomAD compares: Non-Finnish European, 0.65%; 36 homozygotes.

Submissions (11):

CeGaT Center for Human Genetics Tuebingen
Classification: Likely benign. Last evaluated: 2026-05-01. Review status: criteria provided, single submitter. Criteria: CeGaT Center For Human Genetics Tuebingen Variant Classification Criteria Version 2. Collection method: clinical testing. Allele origin: germline. Affected: yes. Observed: 9 variant alleles.
Comment: INVS: BS2

Labcorp Genetics (formerly Invitae), Labcorp
Classification: Benign for Nephronophthisis. Last evaluated: 2026-01-28. Review status: criteria provided, single submitter. Criteria: Invitae Variant Classification Sherloc (09022015). Collection method: clinical testing. Allele origin: germline.

Mayo Clinic Laboratories, Mayo Clinic
Classification: Benign. Last evaluated: 2024-12-30. Review status: criteria provided, single submitter. Criteria: ACMG Guidelines, 2015. Collection method: clinical testing. Allele origin: germline. Observed: 8 variant alleles.
Comment: BS1, BS2, BP4

Blueprint Genetics
Classification: Likely benign. Last evaluated: 2024-11-26. Review status: criteria provided, single submitter. Criteria: ACMG Guidelines, 2015. Collection method: clinical testing. Allele origin: germline.

Fulgent Genetics
Classification: Likely benign for Infantile nephronophthisis. Last evaluated: 2021-11-11. Review status: criteria provided, single submitter. Criteria: ACMG Guidelines, 2015. Collection method: clinical testing. Allele origin: unknown.

GeneDx
Classification: Likely benign. Last evaluated: 2021-04-26. Review status: criteria provided, single submitter. Criteria: GeneDx Variant Classification Process June 2021. Collection method: clinical testing. Allele origin: germline. Affected: yes.
Comment: This variant is associated with the following publications: (PMID: 33131162)

Illumina Laboratory Services, Illumina
Classification: Likely benign for Infantile nephronophthisis. Last evaluated: 2018-01-13. Review status: criteria provided, single submitter. Criteria: ICSL Variant Classification Criteria 13 December 2019. Collection method: clinical testing. Allele origin: germline.
Comment: This variant was observed in the ICSL laboratory as part of a predisposition screen in an ostensibly healthy population. It had not been previously curated by ICSL or reported in the Human Gene Mutation Database (HGMD: prior to June 1st, 2018), and was therefore a candidate for classification through an automated scoring system. Utilizing variant allele frequency, disease prevalence and penetrance estimates, and inheritance mode, an automated score was calculated to assess if this variant is too frequent to cause the disease. Based on the score and internal cut-off values, a variant classified as likely benign is not then subjected to further curation. The score for this variant resulted in a classification of likely benign for this disease.

Eurofins Ntd Llc (ga)
Classification: Benign. Last evaluated: 2014-02-21. Review status: criteria provided, single submitter. Criteria: EGL Classification Definitions 2015. Collection method: clinical testing. Allele origin: germline. Observed: 2 variant alleles, 2 heterozygotes.

Breakthrough Genomics
Classification: Likely benign. Review status: criteria provided, single submitter. Criteria: ACMG Guidelines, 2015. Collection method: not provided. Allele origin: germline. Inheritance: Autosomal recessive inheritance. Affected: yes.

Genetic Services Laboratory, University of Chicago
Classification: Benign. Last evaluated: 2022-12-01. Review status: no assertion criteria provided. Collection method: clinical testing. Allele origin: germline. Affected: no. Not counted in ClinVar's aggregate classification.

PreventionGenetics, part of Exact Sciences
Classification: Benign for INVS-related condition. Last evaluated: 2021-04-28. Review status: no assertion criteria provided. Collection method: clinical testing. Allele origin: germline. Not counted in ClinVar's aggregate classification.
Comment: This variant is classified as benign based on ACMG/AMP sequence variant interpretation guidelines (Richards et al. 2015 PMID: 25741868, with internal and published modifications).